The following is an entry in ClinVar:

NM_032531.4(KIRREL3):c.2202C>T (p.Ser734=)

Gene: KIRREL3 (kirre like nephrin family adhesion molecule 3; minus strand). Cytogenetic location: 11q24.2.
Variant type: single nucleotide variant.
Coding change: c.2202C>T on transcript NM_032531.4 (MANE Select); coding-DNA position 2202, C replaced by T.
Protein change: p.Ser734=; no amino-acid change (serine 734 retained).
Molecular consequence: synonymous variant.
Genome position (GRCh38, 1-based): chr11:126,424,715, G>A on the plus strand (C>T on the coding strand, the complement: KIRREL3 is on the minus strand). VCF-style: chr11-126424715-G-A. GRCh37 (hg19) VCF-style: chr11-126294610-G-A.
Other names: c.2166C>T, p.Ser722= (NM_001301097.2).
Identifiers: ClinVar variation 3048794 (VCV003048794.2), dbSNP rs573865126, ClinGen allele CA6355621.

ClinVar aggregate classification (germline): Likely benign (0 of 4 stars; one submission).

Conditions:
KIRREL3-related disorder. Also called: KIRREL3-related condition.

Allele frequency attached by ClinVar (database versions not stated): gnomAD exomes 0.00006; gnomAD 0.00009; TOPMed 0.00009; ExAC 0.00013.
gnomAD v4.1: 95 of 1,613,974 alleles (0.0059%); highest among the groups gnomAD compares: East Asian, 0.067%; no homozygotes.

Submission:

PreventionGenetics, part of Exact Sciences
Classification: Likely benign for KIRREL3-related condition. Last evaluated: 2019-12-16. Review status: no assertion criteria provided. Collection method: clinical testing. Allele origin: germline.
Comment: This variant is classified as likely benign based on ACMG/AMP sequence variant interpretation guidelines (Richards et al. 2015 PMID: 25741868, with internal and published modifications).